The following is an entry in ClinVar:

ClinVar aggregate classification (germline): Pathogenic/Likely pathogenic. Review status: criteria provided, multiple submitters, no conflicts (2 of 4 stars). 7 submissions from 7 submitters: Pathogenic (5); Likely pathogenic (2). Last evaluated 2025-10-07.

Conditions:
Optic neuropathy. Also called: Optic nerve disorder. Identifiers: MedGen C3887709, MONDO:0002135, HP:0001138.
WFS1-related disorder. Identifiers: MedGen CN379391, MONDO:0700293.
Wolfram syndrome 1 (WFS1). Identifiers: Orphanet 3463, MedGen C4551693, MONDO:0009101, OMIM 222300.

Allele frequency attached by ClinVar (database versions not stated): ExAC 0.00001; gnomAD 0.00001; TOPMed 0.00001; gnomAD exomes 0.00002 and 0.00004; ESP Exome Variant Server 0.00015.
gnomAD v4.1: 60 of 1,611,630 alleles (0.0037%); highest among the groups gnomAD compares: Non-Finnish European, 0.0048%; no homozygotes.

Submissions (7):

Genetics Laboratory, Great Ormond Street Hospital NHS Foundation Trust, North Thames Genomic Laboratory Hub
Classification: Likely pathogenic for Optic neuropathy. Last evaluated: 2025-10-07. Review status: criteria provided, single submitter. Criteria: ACGS Best Practice Guidelines for Variant Classification in Rare Disease 2024 v1.2. Collection method: clinical testing. Allele origin: germline. Affected: yes.
Comment: PM2_moderate, PVS1_strong, PM3_moderate

Labcorp Genetics (formerly Invitae), Labcorp
Classification: Pathogenic. Last evaluated: 2025-07-30. Review status: criteria provided, single submitter. Criteria: Invitae Variant Classification Sherloc (09022015). Collection method: clinical testing. Allele origin: germline.
Comment: This sequence change creates a premature translational stop signal (p.Trp478*) in the WFS1 gene. While this is not anticipated to result in nonsense mediated decay, it is expected to disrupt the last 413 amino acid(s) of the WFS1 protein. This variant is present in population databases (rs377726402, gnomAD 0.004%). This premature translational stop signal has been observed in individual(s) with Wolfram syndrome (PMID: 10521293). ClinVar contains an entry for this variant (Variation ID: 1526050). This variant disrupts a region of the WFS1 protein in which other variant(s) (p.Glu752*) have been determined to be pathogenic (PMID: 15277431, 23981289). This suggests that this is a clinically significant region of the protein, and that variants that disrupt it are likely to be disease-causing. For these reasons, this variant has been classified as Pathogenic.

Women's Health and Genetics/Laboratory Corporation of America, LabCorp
Classification: Pathogenic for Wolfram syndrome 1. Last evaluated: 2025-07-10. Review status: criteria provided, single submitter. Criteria: LabCorp Variant Classification Summary - May 2015. Collection method: clinical testing. Allele origin: germline.
Comment: Variant summary: WFS1 c.1433G>A (p.Trp478X) results in a premature termination codon, predicted to cause a truncation of the encoded protein and not anticipated to result in nonsense mediated decay. The variant allele was found at a frequency of 2e-05 in 249660 control chromosomes (gnomAD). c.1433G>A has been observed in multiple individuals affected with clinical features of Wolfram Syndrome 1 (Hardy_1999, Colclough_2021). These data indicate that the variant is very likely to be associated with disease. To our knowledge, no experimental evidence demonstrating an impact on protein function has been reported. The following publications have been ascertained in the context of this evaluation (PMID: 34789499, 10521293). ClinVar contains an entry for this variant (Variation ID: 1526050). Based on the evidence outlined above, the variant was classified as pathogenic.

PreventionGenetics, part of Exact Sciences
Classification: Pathogenic for WFS1-related condition. Last evaluated: 2025-06-27. Review status: criteria provided, single submitter. Criteria: ACMG Guidelines, 2015. Collection method: clinical testing. Allele origin: germline.
Comment: The WFS1 c.1433G>A variant is predicted to result in premature protein termination (p.Trp478*). This variant has been reported in individuals with Wolfram syndrome in the homozygous state and in the compound heterozygous state (Hardy et al. 1999. PubMed ID: 10521293; Abdel-Karim et al. 2021. PubMed ID: 34458657; Supplementary Table 8, Colclough et al. 2022. PubMed ID: 34789499; Majander et al. 2022. PubMed ID: 35469785). This variant is reported in 0.0044% of alleles in individuals of European (Non-Finnish) descent in gnomAD. Nonsense variants in WFS1 are expected to be pathogenic. This variant is interpreted as pathogenic.

GeneDx
Classification: Pathogenic. Last evaluated: 2024-02-09. Review status: criteria provided, single submitter. Criteria: GeneDx Variant Classification Process June 2021. Collection method: clinical testing. Allele origin: germline. Affected: yes.
Comment: Nonsense variant predicted to result in protein truncation in a gene for which loss of function is a known mechanism of disease; This variant is associated with the following publications: (PMID: 36208030, 34789499, 10521293, 34458657)

Blueprint Genetics
Classification: Pathogenic for WFS1-related disorders. Last evaluated: 2023-06-01. Review status: criteria provided, single submitter. Criteria: ACMG Guidelines, 2015. Collection method: clinical testing. Allele origin: germline. Affected: yes. Observed: 4 variant alleles.

3billion
Classification: Likely pathogenic for Wolfram syndrome 1. Last evaluated: 2022-03-22. Review status: criteria provided, single submitter. Criteria: ACMG Guidelines, 2015. Collection method: clinical testing. Allele origin: germline. Affected: yes. Observed: 1 homozygote.
Comment: Stop-gained (nonsense): predicted to result in a loss or disruption of normal protein function through protein truncation. The predicted truncated protein may be shortened by more than 10%. The variant is observed at an extremely low frequency in the gnomAD v2.1.1 dataset (total allele frequency: [0.0000200). It has been reported to be in trans with a pathogenic variant as either compound heterozygous or homozygous in at least one similarly affected unrelated individual (PMID: 10521293). Therefore, this variant is classified as likely pathogenic according to the recommendation of ACMG/AMP guideline.

Literature cited by the submitters: PubMed 10521293 (cited by 3 submitters); PubMed 15277431 (cited by Labcorp Genetics (formerly Invitae), Labcorp); PubMed 23981289 (cited by Labcorp Genetics (formerly Invitae), Labcorp); PubMed 34789499 (cited by Women's Health and Genetics/Laboratory Corporation of America, LabCorp).

NM_006005.3(WFS1):c.1433G>A (p.Trp478Ter)

Gene: WFS1 (wolframin ER transmembrane glycoprotein; plus strand). Cytogenetic location: 4p16.1.
Variant type: single nucleotide variant.
Coding change: c.1433G>A on transcript NM_006005.3 (MANE Select); coding-DNA position 1433, G replaced by A.
Protein change: p.Trp478Ter; replaces tryptophan 478 with a stop codon.
Molecular consequence: nonsense.
Genome position (GRCh38, 1-based): chr4:6,301,228, G>A. VCF-style: chr4-6301228-G-A. GRCh37 (hg19) VCF-style: chr4-6302955-G-A.
Other names: c.1433G>A, p.Trp478Ter (NM_001145853.1); short protein forms W478*.
Identifiers: ClinVar variation 1526050 (VCV001526050.11), dbSNP rs377726402, ClinGen allele CA2839348.